The following is an entry in ClinVar:

ClinVar aggregate classification (germline): Conflicting classifications of pathogenicity. Review status: criteria provided, conflicting classifications (1 of 4 stars). 2 submissions from 2 submitters: Uncertain significance (1); Likely benign (1). Last evaluated 2025-12-09.

Conditions:
Hereditary cancer-predisposing syndrome. Also called: Neoplastic Syndromes, Hereditary; Tumor predisposition; Hereditary Cancer Syndrome; Hereditary neoplastic syndrome. Identifiers: Orphanet 140162, MedGen C0027672, MeSH D009386, MONDO:0015356.
Familial cancer of breast. Also called: BREAST CANCER, FAMILIAL; Hereditary breast cancer; hereditary breast carcinoma. Identifiers: Orphanet 227535, MedGen C0346153, MONDO:0016419, OMIM 114480. Disease mechanism: loss of function.

Allele frequency attached by ClinVar (database versions not stated): gnomAD exomes below 0.00001; TOPMed below 0.00001.
gnomAD v4.1: 2 of 1,613,458 alleles (0.00012%); highest among the groups gnomAD compares: Non-Finnish European, 0.00017%; no homozygotes.

Submissions (2):

Labcorp Genetics (formerly Invitae), Labcorp
Classification: Uncertain significance for Familial cancer of breast. Last evaluated: 2025-12-09. Review status: criteria provided, single submitter. Criteria: Invitae Variant Classification Sherloc (09022015). Collection method: clinical testing. Allele origin: germline.
Comment: This sequence change replaces asparagine, which is neutral and polar, with serine, which is neutral and polar, at codon 295 of the BARD1 protein (p.Asn295Ser). This variant is present in population databases (no rsID available, gnomAD 0.0009%). This missense change has been observed in individual(s) with breast cancer (PMID: 11807980). ClinVar contains an entry for this variant (Variation ID: 485322). An algorithm developed to predict the effect of missense changes on protein structure and function outputs the following: PolyPhen-2: "Benign". The serine amino acid residue is found in multiple mammalian species, which suggests that this missense change does not adversely affect protein function. Experimental studies are conflicting or provide insufficient evidence to determine the effect of this variant on BARD1 function (PMID: 16061562). In summary, the available evidence is currently insufficient to determine the role of this variant in disease. Therefore, it has been classified as a Variant of Uncertain Significance.

Ambry Genetics
Classification: Likely benign for Hereditary cancer-predisposing syndrome. Last evaluated: 2023-12-04. Review status: criteria provided, single submitter. Criteria: Ambry Variant Classification Scheme 2023. Collection method: clinical testing. Allele origin: germline.

Literature cited by the submitters: PubMed 11807980 (cited by Labcorp Genetics (formerly Invitae), Labcorp and Ambry Genetics); PubMed 16061562 (cited by Labcorp Genetics (formerly Invitae), Labcorp and Ambry Genetics); PubMed 19584272 (cited by Ambry Genetics); PubMed 26738429 (cited by Ambry Genetics).

NM_000465.4(BARD1):c.884A>G (p.Asn295Ser)

Gene: BARD1 (BRCA1 associated RING domain 1; minus strand). Cytogenetic location: 2q35.
Variant type: single nucleotide variant.
Coding change: c.884A>G on transcript NM_000465.4 (MANE Select); coding-DNA position 884, A replaced by G.
Protein change: p.Asn295Ser; replaces asparagine 295 with serine.
Molecular consequence: missense variant. On other transcripts: non-coding transcript variant (2), intron variant (3).
Genome position (GRCh38, 1-based): chr2:214,780,990, T>C on the plus strand (A>G on the coding strand, the complement: BARD1 is on the minus strand). VCF-style: chr2-214780990-T-C. GRCh37 (hg19) VCF-style: chr2-215645714-T-C.
Other names: c.827A>G, p.Asn276Ser (NM_001282543.2); c.158+28422A>G (NM_001282548.2); c.215+16071A>G (NM_001282545.2); c.364+11307A>G (NM_001282549.2); short protein forms N295S, N276S.
Identifiers: ClinVar variation 485322 (VCV000485322.17), dbSNP rs1448645093, ClinGen allele CA350455152.
Genomic context (GRCh38, chr2:214,780,990, plus strand): 5'-GGCAAAGATTTCTTAGATGTAAGATAATTTTTGCAGACCTTCTCAGGAGTCACTACTTCA[T>C]TCCTGCTCTTAGTGTCTGGAGACTCTATTTGCTCAGCCAATGGTAAAGAGACTTCAGTTA-3'
Protein context (NP_000456.2, residues 285-305): QIESPDTKSR[Asn295Ser]EVVTPEKVCK